The following is an entry in ClinVar:

ClinVar aggregate classification (germline): Uncertain significance (1 of 4 stars; one submission).

Conditions:
Inborn genetic diseases. Identifiers: MedGen C0950123, MeSH D030342.

Submission:

Ambry Genetics
Classification: Uncertain significance for Inborn genetic diseases. Last evaluated: 2025-03-28. Review status: criteria provided, single submitter. Criteria: Ambry Variant Classification Scheme 2023. Collection method: clinical testing. Allele origin: germline.
Comment: The p.K881N variant (also known as c.2643G>C), located in coding exon 1 of the SAMD9L gene, results from a G to C substitution at nucleotide position 2643. The lysine at codon 881 is replaced by asparagine, an amino acid with similar properties. This amino acid position is conserved. In addition, this alteration is predicted to be tolerated by in silico analysis. Based on the available evidence, the clinical significance of this variant remains unclear.

NM_152703.5(SAMD9L):c.2643G>C (p.Lys881Asn)

Gene: SAMD9L (sterile alpha motif domain containing 9 like; minus strand). Cytogenetic location: 7q21.2.
Variant type: single nucleotide variant.
Coding change: c.2643G>C on transcript NM_152703.5 (MANE Select); coding-DNA position 2643, G replaced by C.
Protein change: p.Lys881Asn; replaces lysine 881 with asparagine.
Molecular consequence: missense variant.
Genome position (GRCh38, 1-based): chr7:93,133,329, C>G on the plus strand (G>C on the coding strand, the complement: SAMD9L is on the minus strand). VCF-style: chr7-93133329-C-G. GRCh37 (hg19) VCF-style: chr7-92762642-C-G.
Other names: c.2643G>C, p.Lys881Asn (NM_001303496.3, NM_001303497.3, NM_001303498.3 and 5 more transcripts); short protein forms K881N.
Identifiers: ClinVar variation 3949783 (VCV003949783.1).
Genomic context (GRCh38, chr7:93,133,329, plus strand): 5'-TATATATGTTTCATCAAAATTGCTTTTCATGATCATGAAGGAATAAAAGTTTTCACAGTT[C>G]TTGTGCTGCTTTTCAATTTCCTTCAGTTTGGCACCAAAAGCTCTTTGTTCCTTGGAAGAA-3'
Protein context (NP_689916.2, residues 871-891): AKLKEIEKQH[Lys881Asn]NCENFYSFMI